The following is an entry in ClinVar:

ClinVar aggregate classification (germline): Likely benign (0 of 4 stars; one submission).

Conditions:
RAI1-related disorder. Also called: RAI1-related condition.

gnomAD v4.1: 1 of 1,613,980 alleles (0.000062%); highest among the groups gnomAD compares: Non-Finnish European, 0.000085%; no homozygotes.

Submission:

PreventionGenetics, part of Exact Sciences
Classification: Likely benign for RAI1-related condition. Last evaluated: 2024-03-08. Review status: no assertion criteria provided. Collection method: clinical testing. Allele origin: germline.
Comment: This variant is classified as likely benign based on ACMG/AMP sequence variant interpretation guidelines (Richards et al. 2015 PMID: 25741868, with internal and published modifications).

NM_030665.4(RAI1):c.4221C>T (p.Ser1407=)

Gene: RAI1 (retinoic acid induced 1; plus strand). Cytogenetic location: 17p11.2.
Variant type: single nucleotide variant.
Coding change: c.4221C>T on transcript NM_030665.4 (MANE Select); coding-DNA position 4221, C replaced by T.
Protein change: p.Ser1407=; no amino-acid change (serine 1407 retained).
Molecular consequence: synonymous variant.
Genome position (GRCh38, 1-based): chr17:17,797,169, C>T. VCF-style: chr17-17797169-C-T. GRCh37 (hg19) VCF-style: chr17-17700483-C-T.
Identifiers: ClinVar variation 3353872 (VCV003353872.1).